The following is an entry in ClinVar:

ClinVar aggregate classification (germline): Likely benign (0 of 4 stars; one submission).

Conditions:
FAT1-related disorder. Also called: FAT1-related condition.

Allele frequency attached by ClinVar (database versions not stated): gnomAD exomes 0.00001; ExAC 0.00003; ESP Exome Variant Server 0.00008; TOPMed 0.00009; gnomAD 0.00012.
gnomAD v4.1: 27 of 1,613,866 alleles (0.0017%); highest among the groups gnomAD compares: African/African-American, 0.035%; no homozygotes.

Submission:

PreventionGenetics, part of Exact Sciences
Classification: Likely benign for FAT1-related condition. Last evaluated: 2020-11-04. Review status: no assertion criteria provided. Collection method: clinical testing. Allele origin: germline.
Comment: This variant is classified as likely benign based on ACMG/AMP sequence variant interpretation guidelines (Richards et al. 2015 PMID: 25741868, with internal and published modifications).

NM_005245.4(FAT1):c.6189C>A (p.Ala2063=)

Gene: FAT1 (FAT atypical cadherin 1; minus strand). Cytogenetic location: 4q35.2.
Variant type: single nucleotide variant.
Coding change: c.6189C>A on transcript NM_005245.4 (MANE Select); coding-DNA position 6189, C replaced by A.
Protein change: p.Ala2063=; no amino-acid change (alanine 2063 retained).
Molecular consequence: synonymous variant.
Genome position (GRCh38, 1-based): chr4:186,620,397, G>T on the plus strand (C>A on the coding strand, the complement: FAT1 is on the minus strand). VCF-style: chr4-186620397-G-T. GRCh37 (hg19) VCF-style: chr4-187541551-G-T.
Identifiers: ClinVar variation 3031962 (VCV003031962.2), dbSNP rs377239008, ClinGen allele CA3166295.